The following is an entry in ClinVar:

NM_005120.3(MED12):c.4199C>T (p.Ser1400Phe)

Gene: MED12 (mediator complex subunit 12; plus strand). Cytogenetic location: Xq13.1.
Variant type: single nucleotide variant.
Coding change: c.4199C>T on transcript NM_005120.3 (MANE Select); coding-DNA position 4199, C replaced by T.
Protein change: p.Ser1400Phe; replaces serine 1400 with phenylalanine.
Molecular consequence: missense variant.
Genome position (GRCh38, 1-based): chrX:71,132,152, C>T. VCF-style: chrX-71132152-C-T. GRCh37 (hg19) VCF-style: chrX-70352002-C-T.
Other names: c.4199C>T (NM_005120.2); short protein forms S1400F.
Identifiers: ClinVar variation 2903052 (VCV002903052.4), dbSNP rs2092319134, ClinGen allele CA413525803.

ClinVar aggregate classification (germline): Uncertain significance. Review status: criteria provided, multiple submitters, no conflicts (2 of 4 stars). 2 submissions from 2 submitters: Uncertain significance (2). Last evaluated 2025-12-24.

Conditions:
FG syndrome (FGS). Identifiers: MedGen C0220769, MONDO:0002010.
Familial thoracic aortic aneurysm and aortic dissection (TAAD). Also called: Thoracic aortic aneurysms and dissections. Identifiers: Orphanet 91387, MedGen C4707243, MONDO:0019625.

Allele frequency attached by ClinVar (database versions not stated): gnomAD exomes below 0.00001; TOPMed 0.00001.

Submissions (2):

Labcorp Genetics (formerly Invitae), Labcorp
Classification: Uncertain significance for FG syndrome. Last evaluated: 2025-12-24. Review status: criteria provided, single submitter. Criteria: Invitae Variant Classification Sherloc (09022015). Collection method: clinical testing. Allele origin: germline.
Comment: This sequence change replaces serine, which is neutral and polar, with phenylalanine, which is neutral and non-polar, at codon 1400 of the MED12 protein (p.Ser1400Phe). This variant is not present in population databases (gnomAD no frequency). This variant has not been reported in the literature in individuals affected with MED12-related conditions. ClinVar contains an entry for this variant (Variation ID: 2903052). Invitae Evidence Modeling of protein sequence and biophysical properties (such as structural, functional, and spatial information, amino acid conservation, physicochemical variation, residue mobility, and thermodynamic stability) indicates that this missense variant is not expected to disrupt MED12 protein function with a negative predictive value of 95%. In summary, the available evidence is currently insufficient to determine the role of this variant in disease. Therefore, it has been classified as a Variant of Uncertain Significance.

Ambry Genetics
Classification: Uncertain significance for Familial thoracic aortic aneurysm and aortic dissection. Last evaluated: 2025-06-01. Review status: criteria provided, single submitter. Criteria: Ambry Variant Classification Scheme 2023. Collection method: clinical testing. Allele origin: germline.
Comment: The p.S1400F variant (also known as c.4199C>T), located in coding exon 30 of the MED12 gene, results from a C to T substitution at nucleotide position 4199. The serine at codon 1400 is replaced by phenylalanine, an amino acid with highly dissimilar properties. This amino acid position is conserved. In addition, this alteration is predicted to be tolerated by in silico analysis. Based on the available evidence, the clinical significance of this variant remains unclear.